The following is an entry in ClinVar:

NM_001270.4(CHD1):c.3040G>A (p.Glu1014Lys)

Gene: CHD1 (chromodomain helicase DNA binding protein 1; minus strand). Cytogenetic location: 5q15.
Variant type: single nucleotide variant.
Coding change: c.3040G>A on transcript NM_001270.4 (MANE Select); coding-DNA position 3040, G replaced by A.
Protein change: p.Glu1014Lys; replaces glutamic acid 1014 with lysine.
Molecular consequence: missense variant. On other transcripts: non-coding transcript variant (2).
Genome position (GRCh38, 1-based): chr5:98,881,096, C>T on the plus strand (G>A on the coding strand, the complement: CHD1 is on the minus strand). VCF-style: chr5-98881096-C-T. GRCh37 (hg19) VCF-style: chr5-98216800-C-T.
Other names: c.3040G>A, p.Glu1014Lys (NM_001364113.3, NM_001376194.2); short protein forms E1014K.
Identifiers: ClinVar variation 4976061 (VCV004976061.1).
Genomic context (GRCh38, chr5:98,881,096, plus strand): 5'-CAATTTATGTAATTACAAGGAAAATTTTGTTTAAATCTACCTTGAACTGGGAAAGCAATT[C>T]ATCTCCTACAGTTAAAGGACCTGGTTCATTTTCATGAGTTTCAGCTCTCTTCAAGATTTC-3'
Protein context (NP_001261.2, residues 1004-1024): NEPGPLTVGD[Glu1014Lys]LLSQFKVANF

ClinVar aggregate classification (germline): Uncertain significance (1 of 4 stars; one submission).

Submission:

GeneDx
Classification: Uncertain significance. Last evaluated: 2026-02-04. Review status: criteria provided, single submitter. Criteria: GeneDx Variant Classification Process June 2021. Collection method: clinical testing. Allele origin: germline.
Comment: Not observed at significant frequency in large population cohorts (gnomAD); In silico analysis supports that this missense variant has a deleterious effect on protein structure/function; Has not been previously published as pathogenic or benign to our knowledge